The following is an entry in ClinVar:

ClinVar aggregate classification (germline): Pathogenic/Likely pathogenic. Review status: criteria provided, multiple submitters, no conflicts (2 of 4 stars). 13 submissions from 13 submitters: Pathogenic (9); Likely pathogenic (1). 3 of the submissions do not count toward it. Last evaluated 2026-09-26.

Conditions:
Hearing loss, autosomal recessive 111. Also called: DEAFNESS, AUTOSOMAL RECESSIVE 111. Identifiers: MedGen C4748374, MONDO:0029142, OMIM 618145.
MPZL2-related disorder. Also called: MPZL2-related condition.
Monogenic hearing loss.

Allele frequency attached by ClinVar (database versions not stated): gnomAD exomes 0.00015 and 0.00041; TOPMed 0.00024; 1000 Genomes Project 30x 0.00109; 1000 Genomes Project 0.00140.
gnomAD v4.1: 255 of 1,613,904 alleles (0.016%); highest among the groups gnomAD compares: East Asian, 0.49%; 2 homozygotes.

Submissions (13):

PreventionGenetics, part of Exact Sciences
Classification: Pathogenic for MPZL2-related condition. Last evaluated: 2026-09-26. Review status: criteria provided, single submitter. Criteria: ACMG Guidelines, 2015. Collection method: clinical testing. Allele origin: germline.
Comment: The MPZL2 c.220C>T variant is predicted to result in premature protein termination (p.Gln74*). This variant has been reported in the homozygous or compound heterozygous states in multiple individuals with sensorineural hearing loss (see for examples, Wesdorp et al. 2018. PubMed ID: 29961571; Li et al. 2023. PubMed ID: 37390746; Zhang et al. 2024. PubMed ID: 38254107). This variant is reported in 0.51% of alleles in individuals of East Asian descent in gnomAD. Nonsense variants in MPZL2 are expected to be pathogenic. This variant is interpreted as pathogenic.

Laboratory of Molecular, Cellular and Translation Genetics in Otolaryngology/ Lim32-hcfmusp, University of Sao Paulo School of Medicine Clinics Hospital
Classification: Pathogenic for Hearing loss, autosomal recessive 111. Last evaluated: 2026-04-30. Review status: criteria provided, single submitter. Criteria: ACMG Guidelines, 2015. Collection method: research. Allele origin: germline. Affected: yes.
Comment: NM_005797.4:c.220C>T:p.(Gln74*). This variant has been classified as pathogenic. It is a nonsense (loss-of-function) variant in MPZL2, a gene in which loss of function is an established disease mechanism (PVS1). It is rare in population databases (PM2_supporting). The variant has been repeatedly reported in trans with other pathogenic MPZL2 variants in individuals with autosomal recessive postlingual, progressive, nonsyndromic hearing loss (PM3). Overall, these findings support the causative role of this variant in the proband, consistent with autosomal recessive deafness 111 (DFNB111) as described in PMID: 42233699.

Genetics Laboratory, Great Ormond Street Hospital NHS Foundation Trust, North Thames Genomic Laboratory Hub
Classification: Pathogenic for Monogenic hearing loss. Last evaluated: 2026-02-02. Review status: criteria provided, single submitter. Criteria: ACGS Best Practice Guidelines for Variant Classification in Rare Disease 2024 v1.2. Collection method: clinical testing. Allele origin: germline. Affected: yes.
Comment: PVS1_very-strong, PM3_strong

Variantyx, Inc.
Classification: Pathogenic for Hearing loss, autosomal recessive 111. Last evaluated: 2026-01-02. Review status: criteria provided, single submitter. Criteria: Variantyx Assertion Criteria 2022. Collection method: clinical testing. Allele origin: germline. Inheritance: Autosomal recessive inheritance.
Comment: This is a nonsense variant in the MPZL2 gene (OMIM: 604873). Pathogenic variants in this gene have been associated with autosomal recessive hearing loss 111. This variant introduces a premature termination codon in exon 2 out of 6 and is expected to result in loss of function, which is a known disease mechanism for MPZL2 in this disorder (PMID: 37390746, 29961571, 29982980) (PVS1). This variant has been identified in the homozygous or compound heterozygous state in multiple individuals reported in the published literature (PMID: 37390746, 38254107) as well as a previous internal case (PM3_Strong). This variant has a 0.4857% maximum allele frequency in non-founder control populations. Based on the current evidence, this variant is classified as pathogenic for autosomal recessive hearing loss 111.

CeGaT Center for Human Genetics Tuebingen
Classification: Pathogenic. Last evaluated: 2025-07-01. Review status: criteria provided, single submitter. Criteria: CeGaT Center For Human Genetics Tuebingen Variant Classification Criteria Version 2. Collection method: clinical testing. Allele origin: germline. Affected: yes. Observed: 1 variant allele.
Comment: MPZL2: PM3:Very Strong, PVS1, PM2

Blueprint Genetics
Classification: Likely pathogenic for MPZL2-related disorders. Last evaluated: 2024-11-04. Review status: criteria provided, single submitter. Criteria: ACMG Guidelines, 2015. Collection method: clinical testing. Allele origin: germline. Affected: yes. Observed: 5 variant alleles.

Department of Pathology and Laboratory Medicine, Sinai Health System
Classification: Pathogenic for Hearing loss, autosomal recessive 111. Last evaluated: 2023-08-31. Review status: criteria provided, single submitter. Criteria: ACMG Guidelines, 2015. Collection method: research. Allele origin: germline.

Genetic Testing Center for Deafness, Department of Otolaryngology Head & Neck Surgery, Institute of Otolaryngology, Chinese PLA General Hospital
Classification: Pathogenic for Hearing loss, autosomal recessive 111. Last evaluated: 2022-12-13. Review status: criteria provided, single submitter. Criteria: ClinGen HL ACMG Specifications v1. Collection method: clinical testing. Allele origin: biparental. Affected: yes. Observed: 17 variant alleles.

Genetics and Prenatal Diagnosis Center, The First Affiliated Hospital of Zhengzhou University
Classification: Pathogenic for Hearing loss, autosomal recessive 111. Last evaluated: 2021-05-13. Review status: criteria provided, single submitter. Criteria: ACMG Guidelines, 2015. Collection method: clinical testing. Allele origin: germline. Affected: yes.

Juno Genomics, Hangzhou Juno Genomics, Inc
Classification: Pathogenic for Hearing loss, autosomal recessive 111. Review status: criteria provided, single submitter. Criteria: ACMG Guidelines, 2015. Collection method: clinical testing. Allele origin: germline.
Comment: Null variant in a gene where loss of function (LOF) is a known mechanism of disease.;For recessive disorders, detected in trans with a pathogenic variant.;Co-segregation with disease in multiple affected family members.

Laboratory of Molecular Genetics, Brain Korea 21 PLUS Project for Medical Sciences, Yonsei University College of Medicine
Classification: Pathogenic for Hearing loss, autosomal recessive 111. Last evaluated: 2019-08-28. Review status: no assertion criteria provided. Collection method: research. Allele origin: germline. Inheritance: Autosomal recessive inheritance. Affected: yes. Not counted in ClinVar's aggregate classification.

OMIM
Classification: Pathogenic for DEAFNESS, AUTOSOMAL RECESSIVE 111. Last evaluated: 2019-02-22. Review status: no assertion criteria provided. Collection method: literature only. Allele origin: germline. Not counted in ClinVar's aggregate classification.

Molecular Genetics laboratory, Necker Hospital
Classification: Likely pathogenic. Last evaluated: 2018-04-12. Review status: no assertion criteria provided. Collection method: clinical testing. Allele origin: biparental. Affected: yes. Not counted in ClinVar's aggregate classification.

Literature cited by the submitters: PubMed 37390746 (cited by Laboratory of Molecular, Cellular and Translation Genetics in Otolaryngology/ Lim32-hcfmusp, University of Sao Paulo School of Medicine Clinics Hospital); PubMed 38254107 (cited by Laboratory of Molecular, Cellular and Translation Genetics in Otolaryngology/ Lim32-hcfmusp, University of Sao Paulo School of Medicine Clinics Hospital); PubMed 35734045 (cited by Laboratory of Molecular, Cellular and Translation Genetics in Otolaryngology/ Lim32-hcfmusp, University of Sao Paulo School of Medicine Clinics Hospital); PubMed 42233699 (cited by Laboratory of Molecular, Cellular and Translation Genetics in Otolaryngology/ Lim32-hcfmusp, University of Sao Paulo School of Medicine Clinics Hospital); PubMed 29961571 (cited by 3 submitters); PubMed 32203226 (cited by Variantyx, Inc.); PubMed 39767564 (cited by Variantyx, Inc.).

NM_005797.4(MPZL2):c.220C>T (p.Gln74Ter)

Gene: MPZL2 (myelin protein zero like 2; minus strand). Cytogenetic location: 11q23.3.
Variant type: single nucleotide variant.
Coding change: c.220C>T on transcript NM_005797.4 (MANE Select); coding-DNA position 220, C replaced by T.
Protein change: p.Gln74Ter; replaces glutamine 74 with a stop codon.
Molecular consequence: nonsense.
Genome position (GRCh38, 1-based): chr11:118,262,936, G>A on the plus strand (C>T on the coding strand, the complement: MPZL2 is on the minus strand). VCF-style: chr11-118262936-G-A. GRCh37 (hg19) VCF-style: chr11-118133651-G-A.
Other names: c.220C>T, p.Gln74Ter (NM_144765.3); short protein forms Q74*.
Identifiers: ClinVar variation 585269 (VCV000585269.28), dbSNP rs146689036, ClinGen allele CA6301437.
Genomic context (GRCh38, chr11:118,262,936, plus strand): 5'-GGCTTATTATTTCCCTAAACAAGAGTACCCTGGAAAATGATGATAATCTACTTACAAACT[G>A]CTCAGGTCCCCCGTCTAGAGGACGAAAATTCCAGGTCACTGTTAGAGCATCACCCACAGG-3'